The following is an entry in ClinVar:

ClinVar aggregate classification (germline): Likely benign. Review status: criteria provided, multiple submitters, no conflicts (2 of 4 stars). 3 submissions from 3 submitters: Likely benign (2). 1 of the submissions does not count toward it. Last evaluated 2025-03-01.

Conditions:
PIEZO1-related disorder. Also called: PIEZO1-Related Disorders; PIEZO1-related condition.

Allele frequency attached by ClinVar (database versions not stated): gnomAD 0.00005; TOPMed 0.00007; gnomAD exomes 0.00013.
gnomAD v4.1: 187 of 1,549,348 alleles (0.012%); highest among the groups gnomAD compares: South Asian, 0.03%; no homozygotes.

Submissions (3):

CeGaT Center for Human Genetics Tuebingen
Classification: Likely benign. Last evaluated: 2025-03-01. Review status: criteria provided, single submitter. Criteria: CeGaT Center For Human Genetics Tuebingen Variant Classification Criteria Version 2. Collection method: clinical testing. Allele origin: germline. Affected: yes. Observed: 1 variant allele.
Comment: PIEZO1: BP4, BP7

Blueprint Genetics
Classification: Likely benign. Last evaluated: 2024-11-01. Review status: criteria provided, single submitter. Criteria: ACMG Guidelines, 2015. Collection method: clinical testing. Allele origin: germline.

PreventionGenetics, part of Exact Sciences
Classification: Likely benign for PIEZO1-related condition. Last evaluated: 2019-11-11. Review status: no assertion criteria provided. Collection method: clinical testing. Allele origin: germline. Not counted in ClinVar's aggregate classification.
Comment: This variant is classified as likely benign based on ACMG/AMP sequence variant interpretation guidelines (Richards et al. 2015 PMID: 25741868, with internal and published modifications).

NM_001142864.4(PIEZO1):c.3183G>A (p.Pro1061=)

Genes: HSALR1 (HSP90AB1 associated lncRNA 1; plus strand), PIEZO1 (piezo type mechanosensitive ion channel component 1 (Er blood group); minus strand). Cytogenetic location: 16q24.3.
Variant type: single nucleotide variant.
Coding change: c.3183G>A on transcript NM_001142864.4 (MANE Select); coding-DNA position 3183, G replaced by A.
Protein change: p.Pro1061=; no amino-acid change (proline 1061 retained).
Molecular consequence: synonymous variant.
Genome position (GRCh38, 1-based): chr16:88,731,719, C>T on the plus strand (G>A on the coding strand, the complement: PIEZO1 is on the minus strand). VCF-style: chr16-88731719-C-T. GRCh37 (hg19) VCF-style: chr16-88798127-C-T.
Other names: c.1725G>A, p.Pro575= (NM_014745.1).
Identifiers: ClinVar variation 3045585 (VCV003045585.10), dbSNP rs1044821981, ClinGen allele CA286419439.
Genomic context (GRCh38, chr16:88,731,719, plus strand): 5'-CCACAAAGCCACAAAGCCCACTCCCACCCAAGCCACGTGCCCCTCACCAATGCACAGGGC[C>T]GGGGGCATCCCCAGGCACAGCAGGTACTGGTACAGCAGGAACAGCGCCAGGAAGAGGCAG-3'
Protein context (NP_001136336.2, residues 1051-1071): YQYLLCLGMP[Pro1061=]ALCIDYPWRW